The following is an entry in ClinVar:

ClinVar aggregate classification (germline): Uncertain significance (1 of 4 stars; one submission).

Submission:

Labcorp Genetics (formerly Invitae), Labcorp
Classification: Uncertain significance. Last evaluated: 2024-10-16. Review status: criteria provided, single submitter. Criteria: Invitae Variant Classification Sherloc (09022015). Collection method: clinical testing. Allele origin: germline.
Comment: This sequence change replaces alanine, which is neutral and non-polar, with glycine, which is neutral and non-polar, at codon 430 of the HARS2 protein (p.Ala430Gly). This variant is present in population databases (no rsID available, gnomAD 0.0009%). This variant has not been reported in the literature in individuals affected with HARS2-related conditions. Invitae Evidence Modeling of protein sequence and biophysical properties (such as structural, functional, and spatial information, amino acid conservation, physicochemical variation, residue mobility, and thermodynamic stability) indicates that this missense variant is not expected to disrupt HARS2 protein function with a negative predictive value of 80%. In summary, the available evidence is currently insufficient to determine the role of this variant in disease. Therefore, it has been classified as a Variant of Uncertain Significance.

NM_012208.4(HARS2):c.1289C>G (p.Ala430Gly)

Gene: HARS2 (histidyl-tRNA synthetase 2, mitochondrial; plus strand). Cytogenetic location: 5q31.3.
Variant type: single nucleotide variant.
Coding change: c.1289C>G on transcript NM_012208.4 (MANE Select); coding-DNA position 1289, C replaced by G.
Protein change: p.Ala430Gly; replaces alanine 430 with glycine.
Molecular consequence: missense variant.
Genome position (GRCh38, 1-based): chr5:140,697,660, C>G. VCF-style: chr5-140697660-C-G. GRCh37 (hg19) VCF-style: chr5-140077245-C-G.
Other names: c.1214C>G, p.Ala405Gly (NM_001278731.2); c.857C>G, p.Ala286Gly (NM_001278732.2); c.1307C>G, p.Ala436Gly (NM_001363535.2); c.1079C>G, p.Ala360Gly (NM_001363536.2); short protein forms A405G, A430G, A436G, A286G, A360G.
Identifiers: ClinVar variation 3695037 (VCV003695037.2).